The following is an entry in ClinVar:

NM_000135.4(FANCA):c.494C>G (p.Ser165Cys)

Gene: FANCA (FA complementation group A; minus strand). Cytogenetic location: 16q24.3.
Variant type: single nucleotide variant.
Coding change: c.494C>G on transcript NM_000135.4 (MANE Select); coding-DNA position 494, C replaced by G.
Protein change: p.Ser165Cys; replaces serine 165 with cysteine.
Molecular consequence: missense variant. On other transcripts: intron variant (1).
Genome position (GRCh38, 1-based): chr16:89,810,735, G>C on the plus strand (C>G on the coding strand, the complement: FANCA is on the minus strand). VCF-style: chr16-89810735-G-C. GRCh37 (hg19) VCF-style: chr16-89877143-G-C.
Other names: c.494C>G (NM_000135.3); c.494C>G, p.Ser165Cys (NM_001018112.3, NM_001286167.3); c.426+194C>G (NM_001351830.2); short protein forms S165C.
Identifiers: ClinVar variation 1391269 (VCV001391269.6), dbSNP rs141918444, ClinGen allele CA397480700.

ClinVar aggregate classification (germline): Uncertain significance. Review status: criteria provided, multiple submitters, no conflicts (2 of 4 stars). 2 submissions from 2 submitters: Uncertain significance (2). Last evaluated 2024-12-10.

Conditions:
Fanconi anemia (FA). Also called: Fanconi's anemia. Identifiers: Orphanet 84, MedGen C0015625, MeSH D005199, MONDO:0019391.

Allele frequency attached by ClinVar (database versions not stated): gnomAD exomes below 0.00001.
gnomAD v4.1: 2 of 1,612,228 alleles (0.00012%); highest among the groups gnomAD compares: East Asian, 0.0022%; no homozygotes.

Submissions (2):

Quest Diagnostics Nichols Institute San Juan Capistrano
Classification: Uncertain significance. Last evaluated: 2024-12-10. Review status: criteria provided, single submitter. Criteria: Quest Diagnostics criteria. Collection method: clinical testing. Allele origin: unknown.
Comment: The FANCA c.494C>G (p.Ser165Cys) variant has not been reported in individuals with FANCA-related conditions in the published literature. It also has not been reported in large, multi-ethnic general populations (Genome Aggregation Database). Analysis of this variant using bioinformatics tools for the prediction of the effect of amino acid changes on protein structure and function yielded predictions that this variant is benign. Based on the available information, we are unable to determine the clinical significance of this variant.

Labcorp Genetics (formerly Invitae), Labcorp
Classification: Uncertain significance for Fanconi anemia. Last evaluated: 2022-07-19. Review status: criteria provided, single submitter. Criteria: Invitae Variant Classification Sherloc (09022015). Collection method: clinical testing. Allele origin: germline.
Comment: This sequence change replaces serine, which is neutral and polar, with cysteine, which is neutral and slightly polar, at codon 165 of the FANCA protein (p.Ser165Cys). This variant is not present in population databases (gnomAD no frequency). This variant has not been reported in the literature in individuals affected with FANCA-related conditions. ClinVar contains an entry for this variant (Variation ID: 1391269). Advanced modeling of protein sequence and biophysical properties (such as structural, functional, and spatial information, amino acid conservation, physicochemical variation, residue mobility, and thermodynamic stability) performed at Invitae indicates that this missense variant is not expected to disrupt FANCA protein function. In summary, the available evidence is currently insufficient to determine the role of this variant in disease. Therefore, it has been classified as a Variant of Uncertain Significance.